The following is an entry in ClinVar:

NM_001110556.2(FLNA):c.24G>T (p.Ala8=)

Gene: FLNA (filamin A; minus strand). Cytogenetic location: Xq28.
Variant type: single nucleotide variant.
Coding change: c.24G>T on transcript NM_001110556.2 (MANE Select); coding-DNA position 24, G replaced by T.
Protein change: p.Ala8=; no amino-acid change (alanine 8 retained).
Molecular consequence: synonymous variant.
Genome position (GRCh38, 1-based): chrX:154,371,222, C>A on the plus strand (G>T on the coding strand, the complement: FLNA is on the minus strand). VCF-style: chrX-154371222-C-A. GRCh37 (hg19) VCF-style: chrX-153599590-C-A.
Other names: c.24G>T, p.Ala8= (NM_001456.4).
Identifiers: ClinVar variation 382243 (VCV000382243.1), dbSNP rs1057521289, ClinGen allele CA16609154.

ClinVar aggregate classification (germline): Likely benign (1 of 4 stars; one submission).

Submission:

GeneDx
Classification: Likely benign. Last evaluated: 2015-12-09. Review status: criteria provided, single submitter. Criteria: GeneDx Variant Classification (06012015). Collection method: clinical testing. Allele origin: germline. Affected: yes.
Comment: This variant is considered likely benign or benign based on one or more of the following criteria: it is a conservative change, it occurs at a poorly conserved position in the protein, it is predicted to be benign by multiple in silico algorithms, and/or has population frequency not consistent with disease.